The following is an entry in ClinVar:

ClinVar aggregate classification (germline): Uncertain significance. Review status: criteria provided, multiple submitters, no conflicts (2 of 4 stars). 2 submissions from 2 submitters: Uncertain significance (2). Last evaluated 2024-08-12.

Conditions:
Arrhythmogenic right ventricular dysplasia 13. Also called: Arrhythmogenic right ventricular dysplasia, familial, 13; ARRHYTHMOGENIC RIGHT VENTRICULAR CARDIOMYOPATHY 13. Identifiers: MedGen C3810138, MONDO:0000908, OMIM 615616.

Allele frequency attached by ClinVar (database versions not stated): gnomAD exomes below 0.00001; TOPMed below 0.00001; gnomAD 0.00001.
gnomAD v4.1: 2 of 1,613,604 alleles (0.00012%); highest among the groups gnomAD compares: Non-Finnish European, 0.00017%; no homozygotes.

Submissions (2):

Ambry Genetics
Classification: Uncertain significance. Last evaluated: 2024-08-12. Review status: criteria provided, single submitter. Criteria: Ambry Variant Classification Scheme 2023. Collection method: clinical testing. Allele origin: germline.

Labcorp Genetics (formerly Invitae), Labcorp
Classification: Uncertain significance for Arrhythmogenic right ventricular dysplasia 13. Last evaluated: 2023-09-17. Review status: criteria provided, single submitter. Criteria: Invitae Variant Classification Sherloc (09022015). Collection method: clinical testing. Allele origin: germline.
Comment: Advanced modeling of protein sequence and biophysical properties (such as structural, functional, and spatial information, amino acid conservation, physicochemical variation, residue mobility, and thermodynamic stability) performed at Invitae indicates that this missense variant is expected to disrupt CTNNA3 protein function. In summary, the available evidence is currently insufficient to determine the role of this variant in disease. Therefore, it has been classified as a Variant of Uncertain Significance. This variant has not been reported in the literature in individuals affected with CTNNA3-related conditions. This sequence change replaces phenylalanine, which is neutral and non-polar, with leucine, which is neutral and non-polar, at codon 889 of the CTNNA3 protein (p.Phe889Leu). This variant is not present in population databases (gnomAD no frequency).

NM_013266.4(CTNNA3):c.2665T>C (p.Phe889Leu)

Gene: CTNNA3 (catenin alpha 3; minus strand). Cytogenetic location: 10q21.3.
Variant type: single nucleotide variant.
Coding change: c.2665T>C on transcript NM_013266.4 (MANE Select); coding-DNA position 2665, T replaced by C.
Protein change: p.Phe889Leu; replaces phenylalanine 889 with leucine.
Molecular consequence: missense variant.
Genome position (GRCh38, 1-based): chr10:65,920,353, A>G on the plus strand (T>C on the coding strand, the complement: CTNNA3 is on the minus strand). VCF-style: chr10-65920353-A-G. GRCh37 (hg19) VCF-style: chr10-67680111-A-G.
Other names: c.2665T>C (NM_013266.2); c.2665T>C, p.Phe889Leu (NM_001127384.3); short protein forms F889L.
Identifiers: ClinVar variation 3003783 (VCV003003783.4), dbSNP rs2077062696, ClinGen allele CA377088624.